The following is an entry in ClinVar:

NM_002471.4(MYH6):c.1974C>A (p.Asn658Lys)

Gene: MYH6 (myosin heavy chain 6; minus strand). Cytogenetic location: 14q11.2.
Variant type: single nucleotide variant.
Coding change: c.1974C>A on transcript NM_002471.4 (MANE Select); coding-DNA position 1974, C replaced by A.
Protein change: p.Asn658Lys; replaces asparagine 658 with lysine.
Molecular consequence: missense variant.
Genome position (GRCh38, 1-based): chr14:23,397,246, G>T on the plus strand (C>A on the coding strand, the complement: MYH6 is on the minus strand). VCF-style: chr14-23397246-G-T. GRCh37 (hg19) VCF-style: chr14-23866455-G-T.
Other names: short protein forms N658K.
Identifiers: ClinVar variation 3915570 (VCV003915570.1).
Genomic context (GRCh38, chr14:23,397,246, plus strand): 5'-ATTGGGGATGATGCAACGCACAAAGTGAGGATGGGTGGTCCTCAGGTTGGTCATTAGCTT[G>T]TTGAGATTTTCCTGGAGGCAGATGAAGGTGGGGAGTTAGGAGCCACAAGGACCATCCCTT-3'
Protein context (NP_002462.2, residues 648-668): TVSALHRENL[Asn658Lys]KLMTNLRTTH

ClinVar aggregate classification (germline): Uncertain significance (1 of 4 stars; one submission).

Conditions:
Cardiovascular phenotype. Identifiers: MedGen CN230736.

gnomAD v4.1: 8 of 1,614,078 alleles (0.0005%); highest among the groups gnomAD compares: Admixed American, 0.0017%; no homozygotes.

Submission:

Ambry Genetics
Classification: Uncertain significance for Cardiovascular phenotype. Last evaluated: 2025-05-10. Review status: criteria provided, single submitter. Criteria: Ambry Variant Classification Scheme 2023. Collection method: clinical testing. Allele origin: germline.
Comment: The p.N658K variant (also known as c.1974C>A), located in coding exon 15 of the MYH6 gene, results from a C to A substitution at nucleotide position 1974. The asparagine at codon 658 is replaced by lysine, an amino acid with similar properties. This amino acid position is conserved. In addition, this alteration is predicted to be tolerated by in silico analysis. Based on the available evidence, the clinical significance of this variant remains unclear.